The following is an entry in ClinVar:

NM_006623.4(PHGDH):c.975C>T (p.Phe325=)

Gene: PHGDH (phosphoglycerate dehydrogenase; plus strand). Cytogenetic location: 1p12.
Variant type: single nucleotide variant.
Coding change: c.975C>T on transcript NM_006623.4 (MANE Select); coding-DNA position 975, C replaced by T.
Protein change: p.Phe325=; no amino-acid change (phenylalanine 325 retained).
Molecular consequence: synonymous variant.
Genome position (GRCh38, 1-based): chr1:119,740,415, C>T. VCF-style: chr1-119740415-C-T. GRCh37 (hg19) VCF-style: chr1-120283038-C-T.
Other names: c.975C>T (NM_006623.3).
Identifiers: ClinVar variation 2160567 (VCV002160567.6), dbSNP rs1652142927, ClinGen allele CA420015016.
Genomic context (GRCh38, chr1:119,740,415, plus strand): 5'-GACCACAGCCCCGCTCCTCCATCCTCTGCAGGTGAATGCCCAGGCCCTTACCAGTGCCTT[C>T]TCTCCACACACCAAGCCTTGGATTGGTCTGGCAGAAGCTCTGGGGACACTGATGCGAGCC-3'
Protein context (NP_006614.2, residues 315-335): VVNAQALTSA[Phe325=]SPHTKPWIGL

ClinVar aggregate classification (germline): Likely benign. Review status: criteria provided, single submitter (1 of 4 stars). 2 submissions from 2 submitters: Likely benign (1). 1 of the submissions does not count toward it. Last evaluated 2023-04-28.

Conditions:
PHGDH-related disorder. Also called: PHGDH-related condition.
PHGDH deficiency. Identifiers: Orphanet 79351, MedGen C1866174, MONDO:0011152, OMIM 601815.

Submissions (2):

Labcorp Genetics (formerly Invitae), Labcorp
Classification: Likely benign for PHGDH deficiency. Last evaluated: 2023-04-28. Review status: criteria provided, single submitter. Criteria: Invitae Variant Classification Sherloc (09022015). Collection method: clinical testing. Allele origin: germline.

PreventionGenetics, part of Exact Sciences
Classification: Likely benign for PHGDH-related condition. Last evaluated: 2022-09-13. Review status: no assertion criteria provided. Collection method: clinical testing. Allele origin: germline. Not counted in ClinVar's aggregate classification.
Comment: This variant is classified as likely benign based on ACMG/AMP sequence variant interpretation guidelines (Richards et al. 2015 PMID: 25741868, with internal and published modifications).